The following is an entry in ClinVar:

ClinVar aggregate classification (germline): Uncertain significance. Review status: criteria provided, multiple submitters, no conflicts (2 of 4 stars). 2 submissions from 2 submitters: Uncertain significance (2). Last evaluated 2025-08-04.

Conditions:
Inborn genetic diseases. Identifiers: MedGen C0950123, MeSH D030342.

Allele frequency attached by ClinVar (database versions not stated): gnomAD 0.00005; gnomAD exomes 0.00002; TOPMed 0.00002; ExAC 0.00003.
gnomAD v4.1: 38 of 1,613,056 alleles (0.0024%); highest among the groups gnomAD compares: Middle Eastern, 0.017%; no homozygotes.

Submissions (2):

Ambry Genetics
Classification: Uncertain significance for Inborn genetic diseases. Last evaluated: 2025-08-04. Review status: criteria provided, single submitter. Criteria: Ambry Variant Classification Scheme 2023. Collection method: clinical testing. Allele origin: germline.

Mayo Clinic Laboratories, Mayo Clinic
Classification: Uncertain significance. Last evaluated: 2025-06-26. Review status: criteria provided, single submitter. Criteria: ACMG Guidelines, 2015. Collection method: clinical testing. Allele origin: germline. Observed: 1 variant allele.
Comment: PM2_supporting

NM_004750.5(CRLF1):c.355C>T (p.Arg119Cys)

Gene: CRLF1 (cytokine receptor like factor 1; minus strand). Cytogenetic location: 19p13.11.
Variant type: single nucleotide variant.
Coding change: c.355C>T on transcript NM_004750.5 (MANE Select); coding-DNA position 355, C replaced by T.
Protein change: p.Arg119Cys; replaces arginine 119 with cysteine.
Molecular consequence: missense variant.
Genome position (GRCh38, 1-based): chr19:18,599,607, G>A on the plus strand (C>T on the coding strand, the complement: CRLF1 is on the minus strand). VCF-style: chr19-18599607-G-A. GRCh37 (hg19) VCF-style: chr19-18710417-G-A.
Other names: p.Arg119Cys; short protein forms R119C.
Identifiers: ClinVar variation 2401455 (VCV002401455.4), dbSNP rs775855897, ClinGen allele CA9314275.